The following is an entry in ClinVar:

NM_003322.6(TULP1):c.99+1G>A

Gene: TULP1 (TUB like protein 1; minus strand). Cytogenetic location: 6p21.31.
Variant type: single nucleotide variant.
Coding change: c.99+1G>A on transcript NM_003322.6 (MANE Select); the canonical splice donor site of the intron after coding-DNA position 99, G replaced by A.
Molecular consequence: splice donor variant.
Genome position (GRCh38, 1-based): chr6:35,512,638, C>T on the plus strand (G>A on the coding strand, the complement: TULP1 is on the minus strand). VCF-style: chr6-35512638-C-T. GRCh37 (hg19) VCF-style: chr6-35480415-C-T.
Other names: IVS2DS, G-A, +1; c.99+1G>A (NM_001289395.2).
Identifiers: ClinVar variation 99675 (VCV000099675.10), dbSNP rs281865166, ClinGen allele CA227719.

ClinVar aggregate classification (germline): Pathogenic/Likely pathogenic. Review status: criteria provided, multiple submitters, no conflicts (2 of 4 stars). 6 submissions from 5 submitters: Pathogenic (1); Likely pathogenic (1). 4 of the submissions do not count toward it. Last evaluated 2023-01-12.

Conditions:
Leber congenital amaurosis 15 (LCA15). Identifiers: Orphanet 65, MedGen C3151206, MONDO:0013457, OMIM 613843.
Retinitis pigmentosa 14 (RP14). Also called: RETINITIS PIGMENTOSA, JUVENILE, TULP1-RELATED. Identifiers: Orphanet 791, MedGen C1838603, MONDO:0010827, OMIM 600132.

Allele frequency attached by ClinVar (database versions not stated): gnomAD exomes below 0.00001.
gnomAD v4.1: 1 of 1,614,026 alleles (0.000062%); highest among the groups gnomAD compares: Non-Finnish European, 0.000085%; no homozygotes.

Submissions (6):

Labcorp Genetics (formerly Invitae), Labcorp
Classification: Pathogenic. Last evaluated: 2023-01-12. Review status: criteria provided, single submitter. Criteria: Invitae Variant Classification Sherloc (09022015). Collection method: clinical testing. Allele origin: germline.
Comment: Disruption of this splice site has been observed in individuals with TULP1-related conditions (PMID: 9462750, 15024725). This variant is also known as IVS2+1G>A. ClinVar contains an entry for this variant (Variation ID: 99675). Algorithms developed to predict the effect of sequence changes on RNA splicing suggest that this variant may disrupt the consensus splice site. For these reasons, this variant has been classified as Pathogenic. This variant is present in population databases (rs281865166, gnomAD 0.0009%). This sequence change affects a donor splice site in intron 2 of the TULP1 gene. It is expected to disrupt RNA splicing. Variants that disrupt the donor or acceptor splice site typically lead to a loss of protein function (PMID: 16199547), and loss-of-function variants in TULP1 are known to be pathogenic (PMID: 8606774, 10549638, 15024725, 18055821).

Ocular Genomics Institute, Massachusetts Eye and Ear
Classification: Likely pathogenic for Retinitis pigmentosa 14. Last evaluated: 2021-04-08. Review status: criteria provided, single submitter. Criteria: ACMG Guidelines, 2015. Collection method: research. Allele origin: germline. Affected: yes.
Comment: Through a review of available evidence we were able to apply the following criteria: PVS1, PM2. Based on this evidence we have classified this variant as Likely Pathogenic.

OMIM
Classification: Pathogenic for RETINITIS PIGMENTOSA 14. Last evaluated: 2004-04-01. Review status: no assertion criteria provided. Collection method: literature only. Allele origin: germline. Not counted in ClinVar's aggregate classification.

OMIM
Classification: Pathogenic for LEBER CONGENITAL AMAUROSIS 15. Last evaluated: 2004-04-01. Review status: no assertion criteria provided. Collection method: literature only. Allele origin: germline. Not counted in ClinVar's aggregate classification.

Laboratory of Genetics in Ophthalmology, Institut Imagine
Classification: Pathogenic for Leber congenital amaurosis 15. Review status: no assertion criteria provided. Collection method: research. Allele origin: inherited. Affected: yes. Observed: 1 variant allele. Not counted in ClinVar's aggregate classification.

Retina International
No classification provided. Review status: no classification provided. Collection method: not provided. Allele origin: not provided. Not counted in ClinVar's aggregate classification.

Literature cited by the submitters: PubMed 9462750 (cited by 3 submitters); PubMed 15024725 (cited by Labcorp Genetics (formerly Invitae), Labcorp and OMIM); PubMed 16199547 (cited by Labcorp Genetics (formerly Invitae), Labcorp); PubMed 8606774 (cited by Labcorp Genetics (formerly Invitae), Labcorp); PubMed 10549638 (cited by Labcorp Genetics (formerly Invitae), Labcorp); PubMed 18055821 (cited by Labcorp Genetics (formerly Invitae), Labcorp).